The following is an entry in ClinVar:

ClinVar aggregate classification (germline): Conflicting classifications of pathogenicity. Review status: criteria provided, conflicting classifications (1 of 4 stars). 5 submissions from 5 submitters: Uncertain significance (2); Likely benign (2). 1 of the submissions does not count toward it. Last evaluated 2025-12-03.

Conditions:
Primary ciliary dyskinesia. Also called: Ciliary dyskinesia. Identifiers: Orphanet 244, MedGen C0008780, MONDO:0016575, HP:0012265.
Primary ciliary dyskinesia 9. Also called: CILIARY DYSKINESIA, PRIMARY, 9, WITH OR WITHOUT SITUS INVERSUS. Identifiers: Orphanet 244, MedGen C2676235, MONDO:0012906, OMIM 612444.

Allele frequency attached by ClinVar (database versions not stated): gnomAD 0.00007 and 0.00014; TOPMed 0.00007; ESP Exome Variant Server 0.00015; gnomAD exomes 0.00017 and 0.00023; ExAC 0.00019; 1000 Genomes Project 0.00040; 1000 Genomes Project 30x 0.00062.
gnomAD v4.1: 350 of 1,614,092 alleles (0.022%); highest among the groups gnomAD compares: South Asian, 0.13%; 2 homozygotes.

Submissions (5):

Labcorp Genetics (formerly Invitae), Labcorp
Classification: Likely benign for Primary ciliary dyskinesia. Last evaluated: 2025-12-03. Review status: criteria provided, single submitter. Criteria: Invitae Variant Classification Sherloc (09022015). Collection method: clinical testing. Allele origin: germline.

Ambry Genetics
Classification: Likely benign for Primary ciliary dyskinesia. Last evaluated: 2023-07-27. Review status: criteria provided, single submitter. Criteria: Ambry Variant Classification Scheme 2023. Collection method: clinical testing. Allele origin: germline.

GeneDx
Classification: Uncertain significance. Last evaluated: 2022-11-03. Review status: criteria provided, single submitter. Criteria: GeneDx Variant Classification Process June 2021. Collection method: clinical testing. Allele origin: germline. Affected: yes.
Comment: In silico analysis supports that this missense variant has a deleterious effect on protein structure/function; Has not been previously published as pathogenic or benign to our knowledge

Illumina Laboratory Services, Illumina
Classification: Uncertain significance for Primary ciliary dyskinesia 9. Last evaluated: 2018-01-13. Review status: criteria provided, single submitter. Criteria: ICSL Variant Classification Criteria 13 December 2019. Collection method: clinical testing. Allele origin: germline.

Natera, Inc.
Classification: Uncertain significance for Primary ciliary dyskinesia. Last evaluated: 2020-09-16. Review status: no assertion criteria provided. Collection method: clinical testing. Allele origin: germline. Not counted in ClinVar's aggregate classification.

NM_023036.6(DNAI2):c.134A>G (p.Asn45Ser)

Gene: DNAI2 (dynein axonemal intermediate chain 2; plus strand). Cytogenetic location: 17q25.1.
Variant type: single nucleotide variant.
Coding change: c.134A>G on transcript NM_023036.6 (MANE Select); coding-DNA position 134, A replaced by G.
Protein change: p.Asn45Ser; replaces asparagine 45 with serine.
Molecular consequence: missense variant. On other transcripts: non-coding transcript variant (1).
Genome position (GRCh38, 1-based): chr17:74,281,951, A>G. VCF-style: chr17-74281951-A-G. GRCh37 (hg19) VCF-style: chr17-72278090-A-G.
Other names: c.134A>G, p.Asn45Ser (NM_001172810.3, NM_001353167.2); short protein forms N45S.
Identifiers: ClinVar variation 325006 (VCV000325006.19), dbSNP rs148073122, ClinGen allele CA8745255.